The following is an entry in ClinVar:

ClinVar aggregate classification (germline): Uncertain significance (1 of 4 stars; one submission).

Conditions:
Dystonic disorder. Also called: Dystonia. Identifiers: MedGen C0013421, MONDO:0003441, HP:0001332.

Submission:

Labcorp Genetics (formerly Invitae), Labcorp
Classification: Uncertain significance for Dystonic disorder. Last evaluated: 2024-05-26. Review status: criteria provided, single submitter. Criteria: Invitae Variant Classification Sherloc (09022015). Collection method: clinical testing. Allele origin: germline.
Comment: This sequence change replaces leucine, which is neutral and non-polar, with valine, which is neutral and non-polar, at codon 96 of the TOR1A protein (p.Leu96Val). This variant is not present in population databases (gnomAD no frequency). This variant has not been reported in the literature in individuals affected with TOR1A-related conditions. Advanced modeling of protein sequence and biophysical properties (such as structural, functional, and spatial information, amino acid conservation, physicochemical variation, residue mobility, and thermodynamic stability) performed at Invitae indicates that this missense variant is expected to disrupt TOR1A protein function with a positive predictive value of 80%. In summary, the available evidence is currently insufficient to determine the role of this variant in disease. Therefore, it has been classified as a Variant of Uncertain Significance.

NM_000113.3(TOR1A):c.286C>G (p.Leu96Val)

Gene: TOR1A (torsin family 1 member A; minus strand). Cytogenetic location: 9q34.11.
Variant type: single nucleotide variant.
Coding change: c.286C>G on transcript NM_000113.3 (MANE Select); coding-DNA position 286, C replaced by G.
Protein change: p.Leu96Val; replaces leucine 96 with valine.
Molecular consequence: missense variant.
Genome position (GRCh38, 1-based): chr9:129,822,739, G>C on the plus strand (C>G on the coding strand, the complement: TOR1A is on the minus strand). VCF-style: chr9-129822739-G-C. GRCh37 (hg19) VCF-style: chr9-132585018-G-C.
Other names: short protein forms L96V.
Identifiers: ClinVar variation 3630226 (VCV003630226.2).
Genomic context (GRCh38, chr9:129,822,739, plus strand): 5'-CGATGATCTTGCTGACGAAATTTTTGCCGGTGCCTGTCCACCCGTGCAGGGAGAGCGTGA[G>C]AGGTTTCTTGGGCTTTGGGTTGTTTATGAAACCAAACACGGCATTTAAGATGATTTTCTT-3'
Protein context (NP_000104.1, residues 86-106): FINNPKPKKP[Leu96Val]TLSLHGWTGT